The following is an entry in ClinVar:

NM_016247.4(IMPG2):c.1071T>A (p.Tyr357Ter)

Gene: IMPG2 (interphotoreceptor matrix proteoglycan 2; minus strand). Cytogenetic location: 3q12.3.
Variant type: single nucleotide variant.
Coding change: c.1071T>A on transcript NM_016247.4 (MANE Select); coding-DNA position 1071, T replaced by A.
Protein change: p.Tyr357Ter; replaces tyrosine 357 with a stop codon.
Molecular consequence: nonsense.
Genome position (GRCh38, 1-based): chr3:101,257,611, A>T on the plus strand (T>A on the coding strand, the complement: IMPG2 is on the minus strand). VCF-style: chr3-101257611-A-T. GRCh37 (hg19) VCF-style: chr3-100976455-A-T.
Other names: short protein forms Y357*.
Identifiers: ClinVar variation 2099126 (VCV002099126.4), dbSNP rs2508969338, ClinGen allele CA353865796.
Genomic context (GRCh38, chr3:101,257,611, plus strand): 5'-AGGATCTGGATTCAAGGAAGAGTTCCCCAGCAAAAAATTCTGCTGCAATGTCTCAGCAAT[A>T]TAATCTCTGAAGTTACTGATTGTATAAACAACAGTGGGTTTATCATCCAGTTCCACAAGG-3'

ClinVar aggregate classification (germline): Pathogenic (1 of 4 stars; one submission).

Submission:

Labcorp Genetics (formerly Invitae), Labcorp
Classification: Pathogenic. Last evaluated: 2022-11-01. Review status: criteria provided, single submitter. Criteria: Invitae Variant Classification Sherloc (09022015). Collection method: clinical testing. Allele origin: germline.
Comment: For these reasons, this variant has been classified as Pathogenic. This variant has not been reported in the literature in individuals affected with IMPG2-related conditions. This variant is not present in population databases (gnomAD no frequency). This sequence change creates a premature translational stop signal (p.Tyr357*) in the IMPG2 gene. It is expected to result in an absent or disrupted protein product. Loss-of-function variants in IMPG2 are known to be pathogenic (PMID: 20673862).

Literature cited by the submitters: PubMed 20673862.